The following is an entry in ClinVar:

ClinVar aggregate classification (germline): Uncertain significance. Review status: criteria provided, multiple submitters, no conflicts (2 of 4 stars). 2 submissions from 2 submitters: Uncertain significance (2). Last evaluated 2024-09-08.

Conditions:
Cardiovascular phenotype. Identifiers: MedGen CN230736.

gnomAD v4.1: 12 of 1,612,644 alleles (0.00074%); highest among the groups gnomAD compares: Non-Finnish European, 0.001%; no homozygotes.

Submissions (2):

Ambry Genetics
Classification: Uncertain significance for Cardiovascular phenotype. Last evaluated: 2024-09-08. Review status: criteria provided, single submitter. Criteria: Ambry Variant Classification Scheme 2023. Collection method: clinical testing. Allele origin: germline.
Comment: The p.V2439L variant (also known as c.7315G>C), located in coding exon 44 of the FLNC gene, results from a G to C substitution at nucleotide position 7315. The valine at codon 2439 is replaced by leucine, an amino acid with highly similar properties. This amino acid position is conserved. In addition, this alteration is predicted to be tolerated by in silico analysis. Based on the available evidence, the clinical significance of this variant remains unclear.

GeneDx
Classification: Uncertain significance. Last evaluated: 2019-06-20. Review status: criteria provided, single submitter. Criteria: GeneDx Variant Classification Process June 2021. Collection method: clinical testing. Allele origin: germline. Affected: yes.
Comment: Has not been previously published as pathogenic or benign to our knowledge; Not observed in large population cohorts (Lek et al., 2016); In silico analysis, which includes protein predictors and evolutionary conservation, supports that this variant does not alter protein structure/function

NM_001458.5(FLNC):c.7315G>C (p.Val2439Leu)

Genes: FLNC (filamin C; plus strand), FLNC-AS1 (FLNC antisense RNA 1; minus strand). Cytogenetic location: 7q32.1.
Variant type: single nucleotide variant.
Coding change: c.7315G>C on transcript NM_001458.5 (MANE Select); coding-DNA position 7315, G replaced by C.
Protein change: p.Val2439Leu; replaces valine 2439 with leucine.
Molecular consequence: missense variant.
Genome position (GRCh38, 1-based): chr7:128,856,581, G>C. VCF-style: chr7-128856581-G-C. GRCh37 (hg19) VCF-style: chr7-128496635-G-C.
Other names: c.7216G>C, p.Val2406Leu (NM_001127487.2); short protein forms V2406L, V2439L.
Identifiers: ClinVar variation 1306380 (VCV001306380.3), dbSNP rs752667511, ClinGen allele CA369216743.